The following is an entry in ClinVar:

NM_130837.3(OPA1):c.37G>T (p.Val13Phe)

Gene: OPA1 (OPA1 mitochondrial dynamin like GTPase; plus strand). Cytogenetic location: 3q29.
Variant type: single nucleotide variant.
Coding change: c.37G>T on transcript NM_130837.3 (MANE Select); coding-DNA position 37, G replaced by T.
Protein change: p.Val13Phe; replaces valine 13 with phenylalanine.
Molecular consequence: missense variant. On other transcripts: 5 prime UTR variant (2).
Genome position (GRCh38, 1-based): chr3:193,614,727, G>T. VCF-style: chr3-193614727-G-T. GRCh37 (hg19) VCF-style: chr3-193332516-G-T.
Other names: c.-336G>T (NM_001354663.2, NM_001354664.2); c.37G>T, p.Val13Phe (NM_015560.3, NM_130831.3, NM_130832.3 and 4 more transcripts); short protein forms V13F.
Identifiers: ClinVar variation 3907826 (VCV003907826.1).

ClinVar aggregate classification (germline): Uncertain significance (1 of 4 stars; one submission).

gnomAD v4.1: 2 of 1,611,856 alleles (0.00012%); highest among the groups gnomAD compares: South Asian, 0.0022%; no homozygotes.

Submission:

GeneDx
Classification: Uncertain significance. Last evaluated: 2024-12-26. Review status: criteria provided, single submitter. Criteria: GeneDx Variant Classification Process June 2021. Collection method: clinical testing. Allele origin: germline. Affected: yes.
Comment: Not observed at significant frequency in large population cohorts (gnomAD); In silico analysis indicates that this missense variant does not alter protein structure/function; Has not been previously published as pathogenic or benign to our knowledge